The following is an entry in ClinVar:

NM_001035.3(RYR2):c.950T>A (p.Met317Lys)

Gene: RYR2 (ryanodine receptor 2; plus strand). Cytogenetic location: 1q43.
Variant type: single nucleotide variant.
Coding change: c.950T>A on transcript NM_001035.3 (MANE Select); coding-DNA position 950, T replaced by A.
Protein change: p.Met317Lys; replaces methionine 317 with lysine.
Molecular consequence: missense variant.
Genome position (GRCh38, 1-based): chr1:237,423,193, T>A. VCF-style: chr1-237423193-T-A. GRCh37 (hg19) VCF-style: chr1-237586493-T-A.
Other names: short protein forms M317K.
Identifiers: ClinVar variation 3074065 (VCV003074065.1), dbSNP rs367601258, ClinGen allele CA345385456.

ClinVar aggregate classification (germline): Uncertain significance (1 of 4 stars; one submission).

Conditions:
Catecholaminergic polymorphic ventricular tachycardia (CVPT). Also called: Catecholamine-induced polymorphic ventricular tachycardia. Identifiers: Orphanet 3286, MedGen C5574922, MONDO:0017990.

Submission:

All of Us Research Program, National Institutes of Health
Classification: Uncertain significance for Catecholaminergic polymorphic ventricular tachycardia. Last evaluated: 2023-10-23. Review status: criteria provided, single submitter. Criteria: ACMG Guidelines, 2015. Collection method: clinical testing. Allele origin: germline. Inheritance: Autosomal dominant inheritance. Observed: 1 variant allele, 1 heterozygote.
Comment: This missense variant replaces methionine with lysine at codon 317 of the RYR2 protein. Computational prediction suggests that this variant may not impact protein structure and function (internally defined REVEL score threshold <= 0.5, PMID: 27666373). To our knowledge, functional studies have not been reported for this variant. This variant has not been reported in individuals affected with RYR2-related disorders in the literature. This variant has not been identified in the general population by the Genome Aggregation Database (gnomAD). The available evidence is insufficient to determine the role of this variant in disease conclusively. Therefore, this variant is classified as a Variant of Uncertain Significance.

This study involves interpretation of variants in research participants for the purpose of population health screening. Participant phenotype was not available at the time of variant classification. Additional details can be found in publication PMID: 35346344, PMCID: PMC8962531